The following is an entry in ClinVar:

ClinVar aggregate classification (germline): Uncertain significance (1 of 4 stars; one submission).

Submission:

GeneDx
Classification: Uncertain significance. Last evaluated: 2024-08-19. Review status: criteria provided, single submitter. Criteria: GeneDx Variant Classification Process June 2021. Collection method: clinical testing. Allele origin: germline.
Comment: Not observed at significant frequency in large population cohorts (gnomAD); In silico analysis supports that this missense variant does not alter protein structure/function; Has not been previously published as pathogenic or benign to our knowledge

NM_031418.4(ANO3):c.1102C>G (p.Arg368Gly)

Gene: ANO3 (anoctamin 3; plus strand). Cytogenetic location: 11p14.2.
Variant type: single nucleotide variant.
Coding change: c.1102C>G on transcript NM_031418.4 (MANE Select); coding-DNA position 1102, C replaced by G.
Protein change: p.Arg368Gly; replaces arginine 368 with glycine.
Molecular consequence: missense variant.
Genome position (GRCh38, 1-based): chr11:26,542,016, C>G. VCF-style: chr11-26542016-C-G. GRCh37 (hg19) VCF-style: chr11-26563563-C-G.
Other names: c.1285C>G, p.Arg429Gly (NM_001313726.2); c.664C>G, p.Arg222Gly (NM_001313727.2); short protein forms R222G, R368G, R429G.
Identifiers: ClinVar variation 1698019 (VCV001698019.3), dbSNP rs376935363, ClinGen allele CA379931941.